The following is an entry in ClinVar:

NM_001211.6(BUB1B):c.1372del (p.Thr458fs)

Gene: BUB1B (BUB1 mitotic checkpoint serine/threonine kinase B; plus strand). Cytogenetic location: 15q15.1.
Variant type: Deletion.
Coding change: c.1372del on transcript NM_001211.6 (MANE Select); coding-DNA position 1372, one base deleted (A; older notation c.1372delA).
Protein change: p.Thr458fs; shifts the reading frame from threonine 458.
Molecular consequence: frameshift variant.
Genome position (GRCh38, 1-based): chr15:40,199,698, A deleted; the last of 3 consecutive A bases (chr15:40,199,696-40,199,698); deleting any one gives the same sequence. VCF-style (leftmost placement, unchanged base first): chr15-40199695-CA-C. GRCh37 (hg19) VCF-style: chr15-40491896-CA-C.
Other names: short protein forms T458fs.
Identifiers: ClinVar variation 2431740 (VCV002431740.1), dbSNP rs2542554942, ClinGen allele CA2580089343.
Genomic context (GRCh38, chr15:40,199,695, plus strand): 5'-GAGAAGAGAGCAGAAATGCAGAAACAGATTGAAGAGATGGAGAAGAAGCTAAAAGAAATC[CA>C]AACTACTCAGCAAGAAAGAACAGGTGATCAGGTAATTTTTCTTTTTTCATACACAAAACT-3'

ClinVar aggregate classification (germline): Likely pathogenic (1 of 4 stars; one submission).

Conditions:
Mosaic variegated aneuploidy syndrome 1 (MVA1). Also called: Warburton-Anyane-Yeboa syndrome. Identifiers: Orphanet 1052, MedGen C1850343, MONDO:0009759, OMIM 257300.

Submission:

Laboratorio de Genetica e Diagnostico Molecular, Hospital Israelita Albert Einstein
Classification: Likely pathogenic for Mosaic variegated aneuploidy syndrome 1. Last evaluated: 2022-10-07. Review status: criteria provided, single submitter. Criteria: ACMG Guidelines, 2015. Collection method: clinical testing. Allele origin: germline. Affected: yes. Observed: 1 variant allele.
Comment: ACMG classification criteria: PVS1 very strong, PM2 moderated